The following is an entry in ClinVar:

ClinVar aggregate classification (germline): Uncertain significance. Review status: reviewed by expert panel (3 of 4 stars). 3 submissions from 3 submitters: Uncertain significance (1). 2 of the submissions do not count toward it. Last evaluated 2023-12-19.

Conditions:
Glanzmann thrombasthenia. Also called: PLATELET GLYCOPROTEIN IIb-IIIa DEFICIENCY; BLEEDING DISORDER, PLATELET-TYPE, 2; THROMBASTHENIA OF GLANZMANN AND NAEGELI; Thrombasthenia; Glanzmann's thrombasthenia. Identifiers: Orphanet 849, MedGen C0040015, MONDO:0100326.

Allele frequency attached by ClinVar (database versions not stated): ExAC below 0.00001; gnomAD exomes 0.00003; gnomAD 0.00009 and 0.00010; TOPMed 0.00009.

Submissions (4):

ClinGen Platelet Disorders Variant Curation Expert Panel, ClinGen
Classification: Uncertain significance for Glanzmann thrombasthenia. Last evaluated: 2023-12-19. Review status: reviewed by expert panel. Criteria: ClinGen Platelet ACMG Specifications v2-1. Collection method: curation. Allele origin: germline. Inheritance: Autosomal recessive inheritance.
Comment: The c.62>T variant in ITGB3 is a missense variant predicted to cause substitution of alanine by valine at amino acid 21. The highest population minor allele frequency in gnomAD v2.1.1 is 0.0002964 (310122 alleles) in the Latino/Admixed American population. This intermediate allele frequency is lower than the ClinGen PD VCEP threshold (>0.00158) for BS1 but higher than the threshold (<0.0001) for PM2_Supporting. The computational predictor REVEL gives a score of 0.034, which is below the ClinGen PD VCEP threshold of <0.25 and predicts no damaging effect on ITGB3 function (BP4). The computational splicing predictor SpliceAI indicated that the variant has no impact on splicing. In summary, this variant meets the criteria to be classified as a variant of uncertain significance for autosomal recessive Glanzmann Thrombasthenia based on the ACMG/AMP criteria applied, as specified by the ClinGen PD VCEP: BP4.

Labcorp Genetics (formerly Invitae), Labcorp
Classification: Uncertain significance. Last evaluated: 2025-10-23. Review status: criteria provided, single submitter. Criteria: Invitae Variant Classification Sherloc (09022015). Collection method: clinical testing. Allele origin: germline. Not counted in ClinVar's aggregate classification.
Comment: This sequence change replaces alanine, which is neutral and non-polar, with valine, which is neutral and non-polar, at codon 21 of the ITGB3 protein (p.Ala21Val). The frequency data for this variant in the population databases is considered unreliable, as metrics indicate poor data quality at this position in the gnomAD database. This variant has not been reported in the literature in individuals affected with ITGB3-related conditions. ClinVar contains an entry for this variant (Variation ID: 450754). Invitae Evidence Modeling of protein sequence and biophysical properties (such as structural, functional, and spatial information, amino acid conservation, physicochemical variation, residue mobility, and thermodynamic stability) indicates that this missense variant is not expected to disrupt ITGB3 protein function with a negative predictive value of 95%. In summary, the available evidence is currently insufficient to determine the role of this variant in disease. Therefore, it has been classified as a Variant of Uncertain Significance.

GeneDx
Classification: Uncertain significance. Last evaluated: 2017-07-21. Review status: criteria provided, single submitter. Criteria: GeneDx Variant Classification (06012015). Collection method: clinical testing. Allele origin: germline. Affected: yes. Not counted in ClinVar's aggregate classification.
Comment: The A21V variant in the ITGB3 gene has not been reported previously as a pathogenic variant, nor as a benign variant, to our knowledge. This variant is not observed in large population cohorts (Lek et al., 2016; 1000 Genomes Consortium et al., 2015; Exome Variant Server). The A21V variant is a conservative amino acid substitution, which is not likely to impact secondary protein structure as these residues share similar properties. This substitution occurs at a position that is not conserved. In silico analysis is inconsistent in its predictions as to whether or not the variant is damaging to the protein structure/function. We interpret A21V as a variant of uncertain significance.

Dr. Peter K. Rogan Lab, Western University
No classification provided (evidence only). Condition: Thyroid cancer, nonmedullary, 1. Review status: no classification provided. Collection method: in vitro. Allele origin: not applicable. Functional consequence: retained intron. Not counted in ClinVar's aggregate classification.

NM_000212.3(ITGB3):c.62C>T (p.Ala21Val)

Gene: ITGB3 (integrin subunit beta 3; plus strand). Cytogenetic location: 17q21.32.
Variant type: single nucleotide variant.
Coding change: c.62C>T on transcript NM_000212.3 (MANE Select); coding-DNA position 62, C replaced by T.
Protein change: p.Ala21Val; replaces alanine 21 with valine.
Molecular consequence: missense variant.
Genome position (GRCh38, 1-based): chr17:47,253,923, C>T. VCF-style: chr17-47253923-C-T. GRCh37 (hg19) VCF-style: chr17-45331289-C-T.
Other names: NM_000212.3(ITGB3):c.62C>T; p.Ala21Val; NC_000017.10:g.45331289C>T; short protein forms A21V.
Identifiers: ClinVar variation 450754 (VCV000450754.5), dbSNP rs772418775, ClinGen allele CA8622838.